The following is an entry in ClinVar:

ClinVar aggregate classification (germline): Uncertain significance (1 of 4 stars; one submission).

Conditions:
Hypertrophic cardiomyopathy. Also called: HYPERTROPHIC MYOCARDIOPATHY. Identifiers: Orphanet 217569, MedGen C0007194, MeSH D002312, MONDO:0005045, HP:0001639.

Submission:

Labcorp Genetics (formerly Invitae), Labcorp
Classification: Uncertain significance for Hypertrophic cardiomyopathy. Last evaluated: 2022-07-05. Review status: criteria provided, single submitter. Criteria: Invitae Variant Classification Sherloc (09022015). Collection method: clinical testing. Allele origin: germline.
Comment: This sequence change replaces glutamine, which is neutral and polar, with proline, which is neutral and non-polar, at codon 907 of the MYH7 protein (p.Gln907Pro). In summary, the available evidence is currently insufficient to determine the role of this variant in disease. Therefore, it has been classified as a Variant of Uncertain Significance. This variant is found within a region of MYH7 between codons 181 and 937 that contains the majority of the myosin head domain. Missense variants in this region have been shown to be significantly overrepresented in individuals with hypertrophic cardiomyopathy (PMID: 27532257). Algorithms developed to predict the effect of missense changes on protein structure and function (SIFT, PolyPhen-2, Align-GVGD) all suggest that this variant is likely to be disruptive. This variant has not been reported in the literature in individuals affected with MYH7-related conditions. This variant is not present in population databases (gnomAD no frequency).

Literature cited by the submitters: PubMed 27532257.

NM_000257.4(MYH7):c.2720A>C (p.Gln907Pro)

Gene: MYH7 (myosin heavy chain 7; minus strand). Cytogenetic location: 14q11.2.
Variant type: single nucleotide variant.
Coding change: c.2720A>C on transcript NM_000257.4 (MANE Select); coding-DNA position 2720, A replaced by C.
Protein change: p.Gln907Pro; replaces glutamine 907 with proline.
Molecular consequence: missense variant.
Genome position (GRCh38, 1-based): chr14:23,424,109, T>G on the plus strand (A>C on the coding strand, the complement: MYH7 is on the minus strand). VCF-style: chr14-23424109-T-G. GRCh37 (hg19) VCF-style: chr14-23893318-T-G.
Other names: c.2720A>C, p.Gln907Pro (NM_001407004.1); short protein forms Q907P.
Identifiers: ClinVar variation 2013898 (VCV002013898.4), dbSNP rs2502280240, ClinGen allele CA389047280.